The following is an entry in ClinVar:

NM_016628.5(WAC):c.155del (p.Pro52fs)

Gene: WAC (WW domain containing adaptor with coiled-coil; plus strand). Cytogenetic location: 10p12.1.
Variant type: Deletion.
Coding change: c.155del on transcript NM_016628.5 (MANE Select); coding-DNA position 155, one base deleted (C; older notation c.155delC).
Protein change: p.Pro52fs; shifts the reading frame from proline 52.
Molecular consequence: frameshift variant.
Genome position (GRCh38, 1-based): chr10:28,535,638, C deleted; the last of 2 consecutive C bases (chr10:28,535,637-28,535,638); deleting either gives the same sequence. VCF-style (leftmost placement, unchanged base first): chr10-28535636-TC-T. GRCh37 (hg19) VCF-style: chr10-28824565-TC-T.
Other names: c.20del, p.Pro7fs (NM_100264.3); c.155del, p.Pro52fs (NM_100486.4); short protein forms P52fs, P7fs.
Identifiers: ClinVar variation 4879602 (VCV004879602.1).

ClinVar aggregate classification (germline): Pathogenic (1 of 4 stars; one submission).

Conditions:
DeSanto-Shinawi syndrome due to WAC point mutation (DESSH). Also called: WAC-Related Intellectual Disability; Facial dysmorphism-developmental delay-behavioral abnormalities syndrome due to WAC point mutation; DEVELOPMENTAL DELAY, BEHAVIORAL ABNORMALITIES, FACIAL DYSMORPHISM, AND OCULAR ABNORMALITIES. Identifiers: Orphanet 284169, Orphanet 466950, MedGen C5681129, MONDO:0014741, OMIM 616708.

Submission:

Victorian Clinical Genetics Services, Murdoch Childrens Research Institute
Classification: Pathogenic for DeSanto-Shinawi syndrome due to WAC point mutation. Last evaluated: 2026-03-19. Review status: criteria provided, single submitter. Criteria: ACMG Guidelines, 2015. Collection method: clinical testing. Allele origin: germline. Affected: yes.
Comment: This variant is classified as Pathogenic. Evidence in support of pathogenic classification: Variant is predicted to cause nonsense-mediated decay (NMD) and loss of protein (premature termination codon is located at least 54 nucleotides upstream of the final exon-exon junction); Variant is absent from gnomAD (v2, v3 and v4); Other NMD-predicted variant(s) comparable to the one identified in this case have very strong previous evidence for pathogenicity (DECIPHER). Additional information: This variant is heterozygous; This gene is associated with autosomal dominant disease; Loss of function is a known mechanism of disease in this gene and is associated with Desanto-Shinawi syndrome (MIM#616708); Variants in this gene are known to have variable expressivity (PMID: 29190062); Inheritance information for this variant is not currently available in this individual.

Literature cited by the submitters: PubMed 29190062.